The following is an entry in ClinVar:

NM_021954.4(GJA3):c.302G>T (p.Arg101Leu)

Gene: GJA3 (gap junction protein alpha 3; minus strand). Cytogenetic location: 13q12.11.
Variant type: single nucleotide variant.
Coding change: c.302G>T on transcript NM_021954.4 (MANE Select); coding-DNA position 302, G replaced by T.
Protein change: p.Arg101Leu; replaces arginine 101 with leucine.
Molecular consequence: missense variant.
Genome position (GRCh38, 1-based): chr13:20,142,987, C>A on the plus strand (G>T on the coding strand, the complement: GJA3 is on the minus strand). VCF-style: chr13-20142987-C-A. GRCh37 (hg19) VCF-style: chr13-20717126-C-A.
Other names: short protein forms R101L.
Identifiers: ClinVar variation 4991417 (VCV004991417.1).

ClinVar aggregate classification (germline): Uncertain significance (1 of 4 stars; one submission).

Conditions:
GJA3-related disorder. Also called: GJA3-related condition.

Submission:

PreventionGenetics, part of Exact Sciences
Classification: Uncertain significance for GJA3-related condition. Last evaluated: 2025-09-17. Review status: criteria provided, single submitter. Criteria: ACMG Guidelines, 2015. Collection method: clinical testing. Allele origin: germline.
Comment: The GJA3 c.302G>T variant is predicted to result in the amino acid substitution p.Arg101Leu. To our knowledge, this variant has not been reported in the literature or in a large population database (gnomAD), indicating this variant is rare. At this time, the clinical significance of this variant is uncertain due to the absence of conclusive functional and genetic evidence.